The following is an entry in ClinVar:

ClinVar aggregate classification (germline): Benign/Likely benign. Review status: criteria provided, multiple submitters, no conflicts (2 of 4 stars). 4 submissions from 4 submitters: Benign (1); Likely benign (3). Last evaluated 2025-08-09.

Conditions:
Hereditary cancer-predisposing syndrome. Also called: Neoplastic Syndromes, Hereditary; Hereditary Cancer Syndrome; Tumor predisposition; Hereditary neoplastic syndrome. Identifiers: Orphanet 140162, MedGen C0027672, MeSH D009386, MONDO:0015356.
Familial adenomatous polyposis 1 (FAP1). Also called: FAMILIAL ADENOMATOUS POLYPOSIS 1, ATTENUATED; POLYPOSIS, ADENOMATOUS INTESTINAL. Identifiers: MedGen C2713442, MONDO:0021056, OMIM 175100. Disease mechanism: loss of function.

Allele frequency attached by ClinVar (database versions not stated): gnomAD exomes below 0.00001.
gnomAD v4.1: 2 of 1,613,776 alleles (0.00012%); highest among the groups gnomAD compares: Non-Finnish European, 0.00017%; no homozygotes.

Submissions (4):

Labcorp Genetics (formerly Invitae), Labcorp
Classification: Likely benign for Familial adenomatous polyposis 1. Last evaluated: 2025-08-09. Review status: criteria provided, single submitter. Criteria: Invitae Variant Classification Sherloc (09022015). Collection method: clinical testing. Allele origin: germline.

Myriad Genetics, Inc.
Classification: Benign for Familial adenomatous polyposis 1. Last evaluated: 2024-04-11. Review status: criteria provided, single submitter. Criteria: Myriad Autosomal Dominant, Autosomal Recessive and X-Linked Classification Criteria (2023). Collection method: clinical testing. Allele origin: unknown.
Comment: This variant is considered benign. This variant is a silent/synonymous amino acid change and it is not expected to impact splicing.

Ambry Genetics
Classification: Likely benign for Hereditary cancer-predisposing syndrome. Last evaluated: 2022-10-05. Review status: criteria provided, single submitter. Criteria: Ambry Variant Classification Scheme 2023. Collection method: clinical testing. Allele origin: germline.

Color Diagnostics, LLC DBA Color Health
Classification: Likely benign for Hereditary cancer-predisposing syndrome. Last evaluated: 2018-11-26. Review status: criteria provided, single submitter. Criteria: ACMG Guidelines, 2015. Collection method: clinical testing. Allele origin: germline.

NM_000038.6(APC):c.7926T>A (p.Thr2642=)

Gene: APC (APC regulator of Wnt signaling pathway; plus strand). Cytogenetic location: 5q22.2.
Variant type: single nucleotide variant.
Coding change: c.7926T>A on transcript NM_000038.6 (MANE Select); coding-DNA position 7926, T replaced by A.
Protein change: p.Thr2642=; no amino-acid change (threonine 2642 retained).
Molecular consequence: synonymous variant.
Genome position (GRCh38, 1-based): chr5:112,843,520, T>A. VCF-style: chr5-112843520-T-A. GRCh37 (hg19) VCF-style: chr5-112179217-T-A.
Other names: c.7926T>A, p.Thr2642= (NM_001127510.3, NM_001354895.2); c.7872T>A, p.Thr2624= (NM_001127511.3); c.7980T>A, p.Thr2660= (NM_001354896.2); c.7956T>A, p.Thr2652= (NM_001354897.2); c.7851T>A, p.Thr2617= (NM_001354898.2); c.7842T>A, p.Thr2614= (NM_001354899.2); c.7803T>A, p.Thr2601= (NM_001354900.2); c.7749T>A, p.Thr2583= (NM_001354901.2); and 5 more.
Identifiers: ClinVar variation 927170 (VCV000927170.15), dbSNP rs932271698, ClinGen allele CA125167822.
Genomic context (GRCh38, chr5:112,843,520, plus strand): 5'-CACAAATAGTACTTCTCAGACCGTTTCCTCAGGTGCTACAAATGGTGCTGAATCAAAGAC[T>A]CTAATTTATCAAATGGCACCTGCTGTTTCTAAAACAGAGGATGTTTGGGTGAGAATTGAG-3'
Protein context (NP_000029.2, residues 2632-2652): SGATNGAESK[Thr2642=]LIYQMAPAVS